The following is an entry in ClinVar:

ClinVar aggregate classification (germline): Uncertain significance (1 of 4 stars; one submission).

Conditions:
SPTBN1-related disorder. Also called: SPTBN1-related condition.

Submission:

PreventionGenetics, part of Exact Sciences
Classification: Uncertain significance for SPTBN1-related condition. Last evaluated: 2026-01-23. Review status: criteria provided, single submitter. Criteria: ACMG Guidelines, 2015. Collection method: clinical testing. Allele origin: germline.
Comment: The SPTBN1 c.1936G>A variant is predicted to result in the amino acid substitution p.Glu646Lys. To our knowledge, this variant has not been reported in the literature or in a large population database (gnomAD), indicating this variant is rare. At this time, the clinical significance of this variant is uncertain due to the absence of conclusive functional and genetic evidence.

NM_003128.3(SPTBN1):c.1936G>A (p.Glu646Lys)

Gene: SPTBN1 (spectrin beta, non-erythrocytic 1; plus strand). Cytogenetic location: 2p16.2.
Variant type: single nucleotide variant.
Coding change: c.1936G>A on transcript NM_003128.3 (MANE Select); coding-DNA position 1936, G replaced by A.
Protein change: p.Glu646Lys; replaces glutamic acid 646 with lysine.
Molecular consequence: missense variant.
Genome position (GRCh38, 1-based): chr2:54,629,070, G>A. VCF-style: chr2-54629070-G-A. GRCh37 (hg19) VCF-style: chr2-54856207-G-A.
Other names: c.1897G>A, p.Glu633Lys (NM_178313.3); short protein forms E633K, E646K.
Identifiers: ClinVar variation 3346771 (VCV003346771.2).